The following is an entry in ClinVar:

ClinVar aggregate classification (germline): Uncertain significance (1 of 4 stars; one submission).

Conditions:
Hereditary cancer-predisposing syndrome. Also called: Hereditary neoplastic syndrome; Neoplastic Syndromes, Hereditary; Tumor predisposition; Hereditary Cancer Syndrome. Identifiers: Orphanet 140162, MedGen C0027672, MeSH D009386, MONDO:0015356.

Submission:

Ambry Genetics
Classification: Uncertain significance for Hereditary cancer-predisposing syndrome. Last evaluated: 2025-08-04. Review status: criteria provided, single submitter. Criteria: Ambry Variant Classification Scheme 2023. Collection method: clinical testing. Allele origin: germline.
Comment: The p.S2552R variant (also known as c.7656C>G), located in coding exon 15 of the APC gene, results from a C to G substitution at nucleotide position 7656. The serine at codon 2552 is replaced by arginine, an amino acid with dissimilar properties. This amino acid position is highly conserved in available vertebrate species. In addition, in silico predictors for this gene do not accurately predict pathogenicity. Missense alterations in APC are not a common cause of disease (Spier I et al. Genet Med. 2024 Feb;26(2):100992). Based on the available evidence, the clinical significance of this variant remains unclear.

NM_000038.6(APC):c.7656C>G (p.Ser2552Arg)

Gene: APC (APC regulator of Wnt signaling pathway; plus strand). Cytogenetic location: 5q22.2.
Variant type: single nucleotide variant.
Coding change: c.7656C>G on transcript NM_000038.6 (MANE Select); coding-DNA position 7656, C replaced by G.
Protein change: p.Ser2552Arg; replaces serine 2552 with arginine.
Molecular consequence: missense variant. On other transcripts: non-coding transcript variant (2).
Genome position (GRCh38, 1-based): chr5:112,843,250, C>G. VCF-style: chr5-112843250-C-G. GRCh37 (hg19) VCF-style: chr5-112178947-C-G.
Other names: c.7656C>G, p.Ser2552Arg (NM_001127510.3, NM_001354895.2, NM_001407450.1); c.7602C>G, p.Ser2534Arg (NM_001127511.3); c.7710C>G, p.Ser2570Arg (NM_001354896.2, NM_001407447.1, NM_001407448.1 and 1 more transcripts); c.7686C>G, p.Ser2562Arg (NM_001354897.2); c.7581C>G, p.Ser2527Arg (NM_001354898.2); c.7572C>G, p.Ser2524Arg (NM_001354899.2); c.7533C>G, p.Ser2511Arg (NM_001354900.2); c.7479C>G, p.Ser2493Arg (NM_001354901.2, NM_001407453.1); and 11 more; short protein forms S2168R, S2269R, S2423R, S2461R, S2469R, S2511R, S2527R, S2552R.
Identifiers: ClinVar variation 4121103 (VCV004121103.1).